The following is an entry in ClinVar:

ClinVar aggregate classification (germline): Benign/Likely benign. Review status: criteria provided, multiple submitters, no conflicts (2 of 4 stars). 5 submissions from 5 submitters: Benign (1); Likely benign (3). 1 of the submissions does not count toward it. Last evaluated 2026-01-05.

Conditions:
Glycogen storage disease, type V (GSD5). Also called: MCARDLE DISEASE; MUSCLE GLYCOGEN PHOSPHORYLASE DEFICIENCY; MYOPHOSPHORYLASE DEFICIENCY; PYGM DEFICIENCY; McArdle type glycogen storage disease. Identifiers: Orphanet 368, MedGen C0017924, MONDO:0009293, OMIM 232600.

Allele frequency attached by ClinVar (database versions not stated): gnomAD below 0.00001 and 0.00017; TOPMed 0.00003; gnomAD exomes 0.00030 and 0.00059; ExAC 0.00071; 1000 Genomes Project 30x 0.00109; 1000 Genomes Project 0.00120.
gnomAD v4.1: 459 of 1,614,182 alleles (0.028%); highest among the groups gnomAD compares: South Asian, 0.5%; 4 homozygotes.

Submissions (5):

Labcorp Genetics (formerly Invitae), Labcorp
Classification: Benign for Glycogen storage disease, type V. Last evaluated: 2026-01-05. Review status: criteria provided, single submitter. Criteria: Invitae Variant Classification Sherloc (09022015). Collection method: clinical testing. Allele origin: germline.

GeneDx
Classification: Likely benign. Last evaluated: 2018-07-20. Review status: criteria provided, single submitter. Criteria: GeneDx Variant Classification Process June 2021. Collection method: clinical testing. Allele origin: germline. Affected: yes.

Illumina Laboratory Services, Illumina
Classification: Likely benign for Glycogen storage disease, type V. Last evaluated: 2018-01-13. Review status: criteria provided, single submitter. Criteria: ICSL Variant Classification Criteria 13 December 2019. Collection method: clinical testing. Allele origin: germline.
Comment: This variant was observed in the ICSL laboratory as part of a predisposition screen in an ostensibly healthy population. It had not been previously curated by ICSL or reported in the Human Gene Mutation Database (HGMD: prior to June 1st, 2018), and was therefore a candidate for classification through an automated scoring system. Utilizing variant allele frequency, disease prevalence and penetrance estimates, and inheritance mode, an automated score was calculated to assess if this variant is too frequent to cause the disease. Based on the score and internal cut-off values, a variant classified as likely benign is not then subjected to further curation. The score for this variant resulted in a classification of likely benign for this disease.

Eurofins Ntd Llc (ga)
Classification: Likely benign. Last evaluated: 2015-04-28. Review status: criteria provided, single submitter. Criteria: EGL Classification Definitions 2015. Collection method: clinical testing. Allele origin: germline. Observed: 1 variant allele, 1 heterozygote.

Natera, Inc.
Classification: Uncertain significance for Glycogen storage disease V. Last evaluated: 2020-01-24. Review status: no assertion criteria provided. Collection method: clinical testing. Allele origin: germline. Not counted in ClinVar's aggregate classification.

NM_005609.4(PYGM):c.2382C>T (p.Asn794=)

Gene: PYGM (glycogen phosphorylase, muscle associated; minus strand). Cytogenetic location: 11q13.1.
Variant type: single nucleotide variant.
Coding change: c.2382C>T on transcript NM_005609.4 (MANE Select); coding-DNA position 2382, C replaced by T.
Protein change: p.Asn794=; no amino-acid change (asparagine 794 retained).
Molecular consequence: synonymous variant.
Genome position (GRCh38, 1-based): chr11:64,746,806, G>A on the plus strand (C>T on the coding strand, the complement: PYGM is on the minus strand). VCF-style: chr11-64746806-G-A. GRCh37 (hg19) VCF-style: chr11-64514278-G-A.
Other names: c.2118C>T, p.Asn706= (NM_001164716.1).
Identifiers: ClinVar variation 195499 (VCV000195499.21), dbSNP rs540487525, ClinGen allele CA201789.